The following is an entry in ClinVar:

ClinVar aggregate classification (germline): Uncertain significance. Review status: criteria provided, multiple submitters, no conflicts (2 of 4 stars). 2 submissions from 2 submitters: Uncertain significance (2). Last evaluated 2023-02-28.

Conditions:
Cardiovascular phenotype. Identifiers: MedGen CN230736.
Long QT syndrome (LQTS). Identifiers: MedGen C0023976, MeSH D008133, MONDO:0002442. Disease mechanism: loss of function. Inheritance: Various modes of inheritance.

Allele frequency attached by ClinVar (database versions not stated): ExAC 0.00001.
gnomAD v4.1: 1 of 1,613,906 alleles (0.000062%); highest among the groups gnomAD compares: Non-Finnish European, 0.000085%; no homozygotes.

Submissions (2):

Ambry Genetics
Classification: Uncertain significance for Cardiovascular phenotype. Last evaluated: 2023-02-28. Review status: criteria provided, single submitter. Criteria: Ambry Variant Classification Scheme 2023. Collection method: clinical testing. Allele origin: germline.
Comment: The p.P2240T variant (also known as c.6718C>A), located in coding exon 38 of the ANK2 gene, results from a C to A substitution at nucleotide position 6718. The proline at codon 2240 is replaced by threonine, an amino acid with highly similar properties. This amino acid position is conserved. In addition, the in silico prediction for this alteration is inconclusive. Since supporting evidence is limited at this time, the clinical significance of this alteration remains unclear.

Labcorp Genetics (formerly Invitae), Labcorp
Classification: Uncertain significance for Long QT syndrome. Last evaluated: 2022-05-08. Review status: criteria provided, single submitter. Criteria: Invitae Variant Classification Sherloc (09022015). Collection method: clinical testing. Allele origin: germline.
Comment: In summary, the available evidence is currently insufficient to determine the role of this variant in disease. Therefore, it has been classified as a Variant of Uncertain Significance. Algorithms developed to predict the effect of missense changes on protein structure and function are either unavailable or do not agree on the potential impact of this missense change (SIFT: "Deleterious"; PolyPhen-2: "Probably Damaging"; Align-GVGD: "Class C0"). This variant has not been reported in the literature in individuals affected with ANK2-related conditions. This variant is present in population databases (rs752841046, gnomAD 0.0009%). This sequence change replaces proline, which is neutral and non-polar, with threonine, which is neutral and polar, at codon 2240 of the ANK2 protein (p.Pro2240Thr).

NM_001148.6(ANK2):c.6718C>A (p.Pro2240Thr)

Gene: ANK2 (ankyrin 2; plus strand). Cytogenetic location: 4q26.
Variant type: single nucleotide variant.
Coding change: c.6718C>A on transcript NM_001148.6 (MANE Select); coding-DNA position 6718, C replaced by A.
Protein change: p.Pro2240Thr; replaces proline 2240 with threonine.
Molecular consequence: missense variant. On other transcripts: intron variant (68).
Genome position (GRCh38, 1-based): chr4:113,355,336, C>A. VCF-style: chr4-113355336-C-A. GRCh37 (hg19) VCF-style: chr4-114276492-C-A.
Other names: c.4396+5087C>A (NM_001354239.2, NM_001354252.2); c.4297+5087C>A (NM_001354272.2); c.4360+5087C>A (NM_001354244.2, NM_001354256.2, NM_001386161.1); c.4399+5087C>A (NM_001127493.3); c.4363+5087C>A (NM_001386143.1, NM_001354243.2, NM_001354255.2); c.4264+5087C>A (NM_001354262.2, NM_001354275.2, NM_001354245.2); c.4201+5087C>A (NM_001354253.2, NM_001354270.2); c.4165+5087C>A (NM_001354257.2, NM_001386156.1); and 36 more; short protein forms P2240T, P2162T, P2287T, P1040T, P2279T.
Identifiers: ClinVar variation 1437498 (VCV001437498.9), dbSNP rs752841046, ClinGen allele CA3051461.
Genomic context (GRCh38, chr4:113,355,336, plus strand): 5'-GAGGGGACCCCTCAGATTAGTTCAGAAGAAAGCTATAAGCATGAAGGCCTAGCAGAGACC[C>A]CTGAGACGAGCCCAGAAAGCCTTTCTTTCTCACCAAAGAAAAGTGAGGAGCAAACTGGGG-3'
Protein context (NP_001139.3, residues 2230-2250): SYKHEGLAET[Pro2240Thr]ETSPESLSFS